The following is an entry in ClinVar:

NM_144666.3(DNHD1):c.2839G>T (p.Glu947Ter)

Gene: DNHD1 (dynein heavy chain domain 1; plus strand). Cytogenetic location: 11p15.4.
Variant type: single nucleotide variant.
Coding change: c.2839G>T on transcript NM_144666.3 (MANE Select); coding-DNA position 2839, G replaced by T.
Protein change: p.Glu947Ter; replaces glutamic acid 947 with a stop codon.
Molecular consequence: nonsense.
Genome position (GRCh38, 1-based): chr11:6,534,014, G>T. VCF-style: chr11-6534014-G-T. GRCh37 (hg19) VCF-style: chr11-6555244-G-T.
Other names: short protein forms E947*.
Identifiers: ClinVar variation 774620 (VCV000774620.10), dbSNP rs180918289, ClinGen allele CA5855829.
Genomic context (GRCh38, chr11:6,534,014, plus strand): 5'-CTCAGCAAGCGACATGCCATTATGCCCAAGCTGCAGCAGCTGATGGCAGCAGCATTGGCA[G>T]AGCTGGAAGGCCTGCTTGCGAAGGCCCTCTCCGGTCCCTTTATGGACCCCACACAAGATC-3'

ClinVar aggregate classification (germline): Likely benign. Review status: criteria provided, multiple submitters, no conflicts (2 of 4 stars). 6 submissions from 6 submitters: Likely benign (4). 2 of the submissions do not count toward it. Last evaluated 2023-04-12.

Conditions:
Essential tremor. Identifiers: MedGen C0270736, MONDO:0003233.
DNHD1-related disorder. Also called: DNHD1-related condition.
Spermatogenic failure 65 (SPGF65). Identifiers: MedGen C5562067, MONDO:0030531, OMIM 619712.

Allele frequency attached by ClinVar (database versions not stated): ExAC 0.00177; 1000 Genomes Project 30x 0.00219; ESP Exome Variant Server 0.00219; 1000 Genomes Project 0.00220; gnomAD 0.00291 and 0.00295; gnomAD exomes 0.00300 and 0.00306; TOPMed 0.00339.
gnomAD v4.1: 4,687 of 1,551,616 alleles (0.3%); highest among the groups gnomAD compares: Admixed American, 0.85%; 13 homozygotes.

Submissions (6):

Department of Pathology and Laboratory Medicine, Sinai Health System
Classification: Likely benign for spermatogenic failure 65. Last evaluated: 2023-04-12. Review status: criteria provided, single submitter. Criteria: ACMG Guidelines, 2015. Collection method: research. Allele origin: germline.

Fulgent Genetics
Classification: Likely benign for Spermatogenic failure 65. Last evaluated: 2021-07-15. Review status: criteria provided, single submitter. Criteria: ACMG Guidelines, 2015. Collection method: clinical testing. Allele origin: unknown.

Labcorp Genetics (formerly Invitae), Labcorp
Classification: Likely benign. Last evaluated: 2019-12-31. Review status: criteria provided, single submitter. Criteria: Invitae Variant Classification Sherloc (09022015). Collection method: clinical testing. Allele origin: germline.

Breakthrough Genomics
Classification: Likely benign. Review status: criteria provided, single submitter. Criteria: ACMG Guidelines, 2015. Collection method: not provided. Allele origin: germline. Inheritance: Autosomal recessive inheritance. Affected: yes.

PreventionGenetics, part of Exact Sciences
Classification: Benign for DNHD1-related condition. Last evaluated: 2019-10-31. Review status: no assertion criteria provided. Collection method: clinical testing. Allele origin: germline. Not counted in ClinVar's aggregate classification.
Comment: This variant is classified as benign based on ACMG/AMP sequence variant interpretation guidelines (Richards et al. 2015 PMID: 25741868, with internal and published modifications).

University of Washington Center for Mendelian Genomics, University of Washington
Classification: Likely pathogenic for essential tremor. Review status: no assertion criteria provided. Collection method: research. Allele origin: inherited. Affected: yes. Not counted in ClinVar's aggregate classification.

Literature cited by the submitters: PubMed 33279834 (cited by University of Washington Center for Mendelian Genomics, University of Washington).